The following is an entry in ClinVar:

ClinVar aggregate classification (germline): Uncertain significance (1 of 4 stars; one submission).

Submission:

GeneDx
Classification: Uncertain significance. Last evaluated: 2025-08-08. Review status: criteria provided, single submitter. Criteria: GeneDx Variant Classification Process June 2021. Collection method: clinical testing. Allele origin: germline. Affected: yes.
Comment: Not observed at significant frequency in large population cohorts (gnomAD); In silico analysis suggests that this missense variant does not alter protein structure/function; Has not been previously published as pathogenic or benign to our knowledge

NM_001080517.3(SETD5):c.2566C>G (p.Pro856Ala)

Gene: SETD5 (SET domain containing 5; plus strand). Cytogenetic location: 3p25.3.
Variant type: single nucleotide variant.
Coding change: c.2566C>G on transcript NM_001080517.3 (MANE Select); coding-DNA position 2566, C replaced by G.
Protein change: p.Pro856Ala; replaces proline 856 with alanine.
Molecular consequence: missense variant.
Genome position (GRCh38, 1-based): chr3:9,464,514, C>G. VCF-style: chr3-9464514-C-G. GRCh37 (hg19) VCF-style: chr3-9506198-C-G.
Other names: c.2272C>G, p.Pro758Ala (NM_001292043.2, NM_001349451.2); c.2662C>G, p.Pro888Ala (NM_001437633.1); c.2623C>G, p.Pro875Ala (NM_001437635.1); c.2566C>G, p.Pro856Ala (NM_001437643.1); c.2605C>G, p.Pro869Ala (NM_001437701.1); short protein forms P758A, P856A, P869A, P875A, P888A.
Identifiers: ClinVar variation 4755670 (VCV004755670.1).
Genomic context (GRCh38, chr3:9,464,514, plus strand): 5'-TCTCGCTATCTGATGGAGCAGAATGTCACCAAGTTACTTCGGCCTCTGTCTCCAGTCACA[C>G]CACCCCCTCCCAATTCAGGCTCAAAGAGTCCCCAGCTGGCCACACCTGGCTCATCTCACC-3'
Protein context (NP_001073986.1, residues 846-866): KLLRPLSPVT[Pro856Ala]PPPNSGSKSP